The following is an entry in ClinVar:

ClinVar aggregate classification (germline): Pathogenic. Review status: criteria provided, multiple submitters, no conflicts (2 of 4 stars). 4 submissions from 4 submitters: Pathogenic (3). 1 of the submissions does not count toward it. Last evaluated 2025-09-11.

Conditions:
Inborn genetic diseases. Identifiers: MedGen C0950123, MeSH D030342.
Ablepharon macrostomia syndrome (AMS). Identifiers: Orphanet 920, MedGen C1860224, MONDO:0008693, OMIM 200110.

Submissions (4):

Victorian Clinical Genetics Services, Murdoch Childrens Research Institute
Classification: Pathogenic for Ablepharon macrostomia syndrome. Last evaluated: 2025-09-11. Review status: criteria provided, single submitter. Criteria: ACMG Guidelines, 2015. Collection method: clinical testing. Allele origin: germline. Affected: yes.
Comment: This variant is classified as Pathogenic. Evidence in support of pathogenic classification: Variant is present in gnomAD <0.01 (v4: 1 heterozygote(s), 0 homozygote(s)) ; This variant has strong previous evidence of pathogenicity in unrelated individuals. This variant has been reported in individuals with ablepharon macrostomia syndrome (AMS), including multiple de novo occurrences (PMID: 26119818), and has been classified as pathogenic by clinical laboratories (ClinVar); Other missense variants comparable to the one identified in this case have very strong previous evidence for pathogenicity. The p.(Glu75Gln) and p.(Glu75Ala) variants have been reported in individuals with Barber-Say syndrome (BSS), including de novo occurrences (PMID: 26119818), and have been classified as pathogenic by clinical laboratories (ClinVar); Variant is located in a hotspot region or cluster of PATHOGENIC variants. Multiple recurrent missense variants associated with AMS or BSS have been reported at this amino acid residue (PMID: 26119818); Missense variant predicted to be damaging by in silico tool(s) or highly conserved with a major amino acid change; Strong phenotype match for this individual; Additional information: Variant is predicted to result in a missense amino acid change from Glu to Lys; This variant is heterozygous; This gene is associated with both recessive and dominant disease. Monoallelic variants in this gene have been reported in individuals with ablepharon-macrostomia syndrome (MIM#200110), and Barber-Say syndrome (MIM#209885). Biallelic variants have been reported in individuals with Setleis syndrome (MIM#227260); Dominant negative and loss of function are reported mechanisms of disease in this gene. Heterozygous variants in TWIST2 are reported to have a dominant-negative effect in individuals with AMS and BSS (PMID: 28369379), whereas biallelic loss of function variants are reported to cause Setleis syndrome (PMID: 20691403).

Department of Pediatrics, Prince of Songkla University
Classification: Pathogenic for Ablepharon macrostomia syndrome. Last evaluated: 2020-06-07. Review status: criteria provided, single submitter. Criteria: ACMG Guidelines, 2015. Collection method: clinical testing. Allele origin: de novo. Inheritance: Autosomal dominant inheritance. Affected: yes. Observed: 1 heterozygote.
Comment: A heterozygous missense p.Glu75Lys was reported to be associated with Ablepharon macrostomia syndrome in 7 families (Marchegiani et al. 2015). This variant was not found in ExAC database and our in-house Thai exome database (consisted of 1084 Thai exome controls). We classified this as pathogenic variant by ACMG Guidelines, 2015 based on >/=2 strong criteria [PS1, PS2, and PS3 (Functional study by Marchegiani et al. 2015)].

Ambry Genetics
Classification: Pathogenic for Inborn genetic diseases. Last evaluated: 2017-10-09. Review status: criteria provided, single submitter. Criteria: Ambry exome assertion method (8-5-2015). Collection method: clinical testing. Allele origin: germline. Affected: yes. Observed: 1 variant allele.

OMIM
Classification: Pathogenic for ABLEPHARON-MACROSTOMIA SYNDROME. Last evaluated: 2015-07-02. Review status: no assertion criteria provided. Collection method: literature only. Allele origin: germline. Not counted in ClinVar's aggregate classification.

Literature cited by the submitters: PubMed 28369379 (cited by Victorian Clinical Genetics Services, Murdoch Childrens Research Institute); PubMed 20691403 (cited by Victorian Clinical Genetics Services, Murdoch Childrens Research Institute); PubMed 26119818 (cited by 3 submitters); DOI 10.1515/abm-2020-0012 (cited by Department of Pediatrics, Prince of Songkla University); PubMed 2036354 (cited by OMIM); PubMed 8746822 (cited by OMIM); PubMed 11038439 (cited by OMIM); PubMed 11807864 (cited by OMIM); PubMed 15103726 (cited by OMIM); PubMed 21595001 (cited by OMIM).

NM_001271893.4(TWIST2):c.223G>A (p.Glu75Lys)

Gene: TWIST2 (twist family bHLH transcription factor 2; plus strand). Cytogenetic location: 2q37.3.
Variant type: single nucleotide variant.
Coding change: c.223G>A on transcript NM_001271893.4 (MANE Select); coding-DNA position 223, G replaced by A.
Protein change: p.Glu75Lys; replaces glutamic acid 75 with lysine.
Molecular consequence: missense variant.
Genome position (GRCh38, 1-based): chr2:238,848,438, G>A. VCF-style: chr2-238848438-G-A. GRCh37 (hg19) VCF-style: chr2-239757079-G-A.
Other names: c.223G>A, p.Glu75Lys (NM_057179.3); short protein forms E75K.
Identifiers: ClinVar variation 208077 (VCV000208077.12), dbSNP rs1553565140, ClinGen allele CA204361.